The following is an entry in ClinVar:

NM_001367624.2(ZNF469):c.11022G>A (p.Ala3674=)

Gene: ZNF469 (zinc finger protein 469; plus strand). Cytogenetic location: 16q24.2.
Variant type: single nucleotide variant.
Coding change: c.11022G>A on transcript NM_001367624.2 (MANE Select); coding-DNA position 11022, G replaced by A.
Protein change: p.Ala3674=; no amino-acid change (alanine 3674 retained).
Molecular consequence: synonymous variant.
Genome position (GRCh38, 1-based): chr16:88,438,492, G>A. VCF-style: chr16-88438492-G-A. GRCh37 (hg19) VCF-style: chr16-88504900-G-A.
Other names: NM_001127464.1:c.10938G>A; NM_001127464.2:c.10938G>A.
Identifiers: ClinVar variation 507604 (VCV000507604.12), dbSNP rs1002770054, ClinGen allele CA286387503.

ClinVar aggregate classification (germline): Conflicting classifications of pathogenicity. Review status: criteria provided, conflicting classifications (1 of 4 stars). 5 submissions from 5 submitters: Uncertain significance (1); Likely benign (4). Last evaluated 2026-01-24.

Conditions:
Ehlers-Danlos syndrome (EDS). Identifiers: Orphanet 98249, MedGen C0013720, MONDO:0020066.
Cardiovascular phenotype. Identifiers: MedGen CN230736.

Allele frequency attached by ClinVar (database versions not stated): gnomAD 0.00003; TOPMed 0.00006; gnomAD exomes 0.00007 and 0.00010.
gnomAD v4.1: 142 of 1,549,980 alleles (0.0092%); highest among the groups gnomAD compares: Middle Eastern, 0.1%; no homozygotes.

Submissions (5):

Labcorp Genetics (formerly Invitae), Labcorp
Classification: Likely benign. Last evaluated: 2026-01-24. Review status: criteria provided, single submitter. Criteria: Invitae Variant Classification Sherloc (09022015). Collection method: clinical testing. Allele origin: germline.

Women's Health and Genetics/Laboratory Corporation of America, LabCorp
Classification: Likely benign. Last evaluated: 2025-04-16. Review status: criteria provided, single submitter. Criteria: LabCorp Variant Classification Summary - May 2015. Collection method: clinical testing. Allele origin: germline.

Genome Diagnostics Laboratory, The Hospital for Sick Children
Classification: Uncertain significance for Ehlers-Danlos syndrome. Last evaluated: 2021-09-28. Review status: criteria provided, single submitter. Criteria: ACMG Guidelines, 2015. Collection method: clinical testing. Allele origin: germline.

Ambry Genetics
Classification: Likely benign for Cardiovascular phenotype. Last evaluated: 2019-10-09. Review status: criteria provided, single submitter. Criteria: Ambry Variant Classification Scheme 2023. Collection method: clinical testing. Allele origin: germline.

GeneDx
Classification: Likely benign. Last evaluated: 2017-02-20. Review status: criteria provided, single submitter. Criteria: GeneDx Variant Classification (06012015). Collection method: clinical testing. Allele origin: germline. Affected: yes.
Comment: This variant is considered likely benign or benign based on one or more of the following criteria: it is a conservative change, it occurs at a poorly conserved position in the protein, it is predicted to be benign by multiple in silico algorithms, and/or has population frequency not consistent with disease.